The following is an entry in ClinVar:

NM_000455.5(STK11):c.157G>A (p.Asp53Asn)

Gene: STK11 (serine/threonine kinase 11; plus strand). Cytogenetic location: 19p13.3.
Variant type: single nucleotide variant.
Coding change: c.157G>A on transcript NM_000455.5 (MANE Select); coding-DNA position 157, G replaced by A.
Protein change: p.Asp53Asn; replaces aspartic acid 53 with asparagine.
Molecular consequence: missense variant.
Genome position (GRCh38, 1-based): chr19:1,207,070, G>A. VCF-style: chr19-1207070-G-A. GRCh37 (hg19) VCF-style: chr19-1207069-G-A.
Other names: short protein forms D53N.
Identifiers: ClinVar variation 571654 (VCV000571654.8), dbSNP rs1555734984, ClinGen allele CA402944096.

ClinVar aggregate classification (germline): Uncertain significance. Review status: criteria provided, multiple submitters, no conflicts (2 of 4 stars). 3 submissions from 3 submitters: Uncertain significance (3). Last evaluated 2025-12-14.

Conditions:
Hereditary cancer-predisposing syndrome. Also called: Hereditary neoplastic syndrome; Neoplastic Syndromes, Hereditary; Hereditary Cancer Syndrome; Tumor predisposition. Identifiers: Orphanet 140162, MedGen C0027672, MeSH D009386, MONDO:0015356.
Peutz-Jeghers syndrome (PJS). Also called: Peutz-Jeghers polyposis; Periorificial lentiginosis syndrome; POLYPOSIS, HAMARTOMATOUS INTESTINAL; POLYPS-AND-SPOTS SYNDROME. Identifiers: Orphanet 2869, MedGen C0031269, MeSH D010580, MONDO:0008280, OMIM 175200.

Allele frequency attached by ClinVar (database versions not stated): gnomAD exomes below 0.00001.
gnomAD v4.1: 1 of 1,613,942 alleles (0.000062%); highest among the groups gnomAD compares: Non-Finnish European, 0.000085%; no homozygotes.

Submissions (3):

Labcorp Genetics (formerly Invitae), Labcorp
Classification: Uncertain significance for Peutz-Jeghers syndrome. Last evaluated: 2025-12-14. Review status: criteria provided, single submitter. Criteria: Invitae Variant Classification Sherloc (09022015). Collection method: clinical testing. Allele origin: germline.
Comment: This sequence change replaces aspartic acid, which is acidic and polar, with asparagine, which is neutral and polar, at codon 53 of the STK11 protein (p.Asp53Asn). This variant is not present in population databases (gnomAD no frequency). This variant has not been reported in the literature in individuals affected with STK11-related conditions. ClinVar contains an entry for this variant (Variation ID: 571654). Invitae Evidence Modeling of protein sequence and biophysical properties (such as structural, functional, and spatial information, amino acid conservation, physicochemical variation, residue mobility, and thermodynamic stability) has been performed for this missense variant. However, the output from this modeling did not meet the statistical confidence thresholds required to predict the impact of this variant on STK11 protein function. In summary, the available evidence is currently insufficient to determine the role of this variant in disease. Therefore, it has been classified as a Variant of Uncertain Significance.

Ambry Genetics
Classification: Uncertain significance for Hereditary cancer-predisposing syndrome. Last evaluated: 2024-09-12. Review status: criteria provided, single submitter. Criteria: Ambry Variant Classification Scheme 2023. Collection method: clinical testing. Allele origin: germline.
Comment: The p.D53N variant (also known as c.157G>A), located in coding exon 1 of the STK11 gene, results from a G to A substitution at nucleotide position 157. The aspartic acid at codon 53 is replaced by asparagine, an amino acid with highly similar properties. This amino acid position is highly conserved in available vertebrate species. In addition, this alteration is predicted to be tolerated by in silico analysis. Based on the available evidence, the clinical significance of this variant remains unclear.

Department of Pathology and Laboratory Medicine, Sinai Health System
Classification: Uncertain significance for Peutz-Jeghers syndrome. Last evaluated: 2023-08-15. Review status: criteria provided, single submitter. Criteria: ACMG Guidelines, 2015. Collection method: clinical testing. Allele origin: germline. Affected: yes.